The following is an entry in ClinVar:

NM_000498.3(CYP11B2):c.703G>A (p.Val235Ile)

Genes: CYP11B2 (cytochrome P450 family 11 subfamily B member 2; minus strand), LOC106799834 (CYP11B2 recombination region; plus strand). Cytogenetic location: 8q24.3.
Variant type: single nucleotide variant.
Coding change: c.703G>A on transcript NM_000498.3 (MANE Select); coding-DNA position 703, G replaced by A.
Protein change: p.Val235Ile; replaces valine 235 with isoleucine.
Molecular consequence: missense variant.
Genome position (GRCh38, 1-based): chr8:142,914,801, C>T on the plus strand (G>A on the coding strand, the complement: CYP11B2 is on the minus strand). VCF-style: chr8-142914801-C-T. GRCh37 (hg19) VCF-style: chr8-143996217-C-T.
Other names: short protein forms V235I.
Identifiers: ClinVar variation 1558680 (VCV001558680.9), dbSNP rs149706111, ClinGen allele CA4906116.

ClinVar aggregate classification (germline): Likely benign. Review status: criteria provided, multiple submitters, no conflicts (2 of 4 stars). 2 submissions from 2 submitters: Likely benign (2). Last evaluated 2025-11-25.

Allele frequency attached by ClinVar (database versions not stated): gnomAD exomes 0.00004 and 0.00014; ExAC 0.00018; 1000 Genomes Project 30x 0.00031; gnomAD 0.00035 and 0.00036; 1000 Genomes Project 0.00040; ESP Exome Variant Server 0.00046; TOPMed 0.00050.
gnomAD v4.1: 117 of 1,613,618 alleles (0.0073%); highest among the groups gnomAD compares: African/African-American, 0.13%; no homozygotes.

Submissions (2):

Labcorp Genetics (formerly Invitae), Labcorp
Classification: Likely benign. Last evaluated: 2025-11-25. Review status: criteria provided, single submitter. Criteria: Invitae Variant Classification Sherloc (09022015). Collection method: clinical testing. Allele origin: germline.

Women's Health and Genetics/Laboratory Corporation of America, LabCorp
Classification: Likely benign. Last evaluated: 2024-12-16. Review status: criteria provided, single submitter. Criteria: LabCorp Variant Classification Summary - May 2015. Collection method: clinical testing. Allele origin: germline.
Comment: Variant summary: CYP11B2 c.703G>A (p.Val235Ile) results in a conservative amino acid change located in the Cytochrome P45o domain of the encoded protein sequence. Five of five in-silico tools predict a benign effect of the variant on protein function. The variant allele was found at a frequency of 0.00014 in 249518 control chromosomes, predominantly at a frequency of 0.0018 within the African or African-American subpopulation in the gnomAD database. The observed variant frequency within African or African-American control individuals in the gnomAD database is approximately 1.61 fold of the estimated maximal expected allele frequency for a pathogenic variant in CYP11B2 causing Familial Hypoaldosteronism phenotype (0.0011). To our knowledge, no occurrence of c.703G>A in individuals affected with Familial Hypoaldosteronism and no experimental evidence demonstrating its impact on protein function have been reported. ClinVar contains an entry for this variant (Variation ID: 1558680). Based on the evidence outlined above, the variant was classified as likely benign.